The following is an entry in ClinVar:

NM_020949.3(SLC7A14):c.578T>C (p.Leu193Pro)

Genes: SLC7A14 (solute carrier family 7 member 14; minus strand), SLC7A14-AS1 (SLC7A14 antisense RNA 1; plus strand). Cytogenetic location: 3q26.2.
Variant type: single nucleotide variant.
Coding change: c.578T>C on transcript NM_020949.3 (MANE Select); coding-DNA position 578, T replaced by C.
Protein change: p.Leu193Pro; replaces leucine 193 with proline.
Molecular consequence: missense variant.
Genome position (GRCh38, 1-based): chr3:170,498,848, A>G on the plus strand (T>C on the coding strand, the complement: SLC7A14 is on the minus strand). VCF-style: chr3-170498848-A-G. GRCh37 (hg19) VCF-style: chr3-170216637-A-G.
Other names: short protein forms L193P.
Identifiers: ClinVar variation 3609594 (VCV003609594.2).

ClinVar aggregate classification (germline): Uncertain significance (1 of 4 stars; one submission).

gnomAD v4.1: 83 of 1,614,082 alleles (0.0051%); highest among the groups gnomAD compares: Non-Finnish European, 0.0065%; no homozygotes.

Submission:

Labcorp Genetics (formerly Invitae), Labcorp
Classification: Uncertain significance. Last evaluated: 2024-06-29. Review status: criteria provided, single submitter. Criteria: Invitae Variant Classification Sherloc (09022015). Collection method: clinical testing. Allele origin: germline.
Comment: This sequence change replaces leucine, which is neutral and non-polar, with proline, which is neutral and non-polar, at codon 193 of the SLC7A14 protein (p.Leu193Pro). This variant is present in population databases (rs761950542, gnomAD 0.003%). This variant has not been reported in the literature in individuals affected with SLC7A14-related conditions. An algorithm developed to predict the effect of missense changes on protein structure and function (PolyPhen-2) suggests that this variant is likely to be disruptive. In summary, the available evidence is currently insufficient to determine the role of this variant in disease. Therefore, it has been classified as a Variant of Uncertain Significance.